The following is an entry in ClinVar:

ClinVar aggregate classification (germline): Pathogenic (1 of 4 stars; one submission).

Conditions:
Dehydrated hereditary stomatocytosis with or without pseudohyperkalemia and/or perinatal edema (DHS1). Also called: PSEUDOHYPERKALEMIA EDINBURGH; DEHYDRATED HEREDITARY STOMATOCYTOSIS AND PSEUDOHYPERKALEMIA; DEHYDRATED HEREDITARY STOMATOCYTOSIS WITH PSEUDOHYPERKALEMIA AND PERINATAL EDEMA; Pseudohyperkalemia, familial, 1, due to red cell leak; Dehydrated hereditary stomatocytosis 1 with or without pseudohyperkalemia and/or perinatal edema. Identifiers: Orphanet 3202, MedGen C4551512, MONDO:0008689, OMIM 194380.

Submission:

UOS Fisiopatologia delle Anemie, Fondazione IRCCS Ca' Granda Ospedale Maggiore Policlinico Milano
Classification: Pathogenic for Xerocytosis. Last evaluated: 2020-08-28. Review status: criteria provided, single submitter. Criteria: ACMG Guidelines, 2015. Collection method: clinical testing. Allele origin: germline. Inheritance: Autosomal dominant inheritance. Affected: yes. Observed: 7 variant alleles, 7 heterozygotes. Clinical features observed: Nonspherocytic hemolytic anemia (HP:0001930).
Comment: The p. S314P variant in KCNN4 gene has been reported in 7 Italian patients from 2 unrelated families presenting mild hemolytic anemia. In vitro functional studies indicate that the S314P variant result in a gain of function mutation and in increase activation of the Gardos channel. The variant meets criteria to be classified as pathogenic based upon segregation studies, absence from controls, phenotypic and functional evidence

NM_002250.3(KCNN4):c.940T>C (p.Ser314Pro)

Gene: KCNN4 (potassium calcium-activated channel subfamily N member 4; minus strand). Cytogenetic location: 19q13.31.
Variant type: single nucleotide variant.
Coding change: c.940T>C on transcript NM_002250.3 (MANE Select); coding-DNA position 940, T replaced by C.
Protein change: p.Ser314Pro; replaces serine 314 with proline.
Molecular consequence: missense variant.
Genome position (GRCh38, 1-based): chr19:43,769,551, A>G on the plus strand (T>C on the coding strand, the complement: KCNN4 is on the minus strand). VCF-style: chr19-43769551-A-G. GRCh37 (hg19) VCF-style: chr19-44273703-A-G.
Other names: short protein forms S314P.
Identifiers: ClinVar variation 978810 (VCV000978810.3), dbSNP rs1969582489, ClinGen allele CA406197647.